The following is an entry in ClinVar:

NM_021096.4(CACNA1I):c.5232C>G (p.Ala1744=)

Gene: CACNA1I (calcium voltage-gated channel subunit alpha1 I; plus strand). Cytogenetic location: 22q13.1.
Variant type: single nucleotide variant.
Coding change: c.5232C>G on transcript NM_021096.4 (MANE Select); coding-DNA position 5232, C replaced by G.
Protein change: p.Ala1744=; no amino-acid change (alanine 1744 retained).
Molecular consequence: synonymous variant.
Genome position (GRCh38, 1-based): chr22:39,679,283, C>G. VCF-style: chr22-39679283-C-G. GRCh37 (hg19) VCF-style: chr22-40075288-C-G.
Other names: c.5127C>G, p.Ala1709= (NM_001003406.2).
Identifiers: ClinVar variation 3355914 (VCV003355914.1).

ClinVar aggregate classification (germline): Benign (0 of 4 stars; one submission).

Conditions:
CACNA1I-related disorder. Also called: CACNA1I-related condition.

gnomAD v4.1: 342 of 1,574,064 alleles (0.022%); highest among the groups gnomAD compares: African/African-American, 0.4%; 2 homozygotes.

Submission:

PreventionGenetics, part of Exact Sciences
Classification: Benign for CACNA1I-related condition. Last evaluated: 2024-03-14. Review status: no assertion criteria provided. Collection method: clinical testing. Allele origin: germline.
Comment: This variant is classified as benign based on ACMG/AMP sequence variant interpretation guidelines (Richards et al. 2015 PMID: 25741868, with internal and published modifications).